The following is an entry in ClinVar:

ClinVar aggregate classification (germline): Uncertain significance (1 of 4 stars; one submission).

Conditions:
Regional enteritis. Also called: Enteritis, Granulomatous. Identifiers: MedGen C0678202, MeSH D003424.
Blau syndrome (BLAUS). Also called: ARTHROCUTANEOUVEAL GRANULOMATOSIS; GRANULOMATOSIS, FAMILIAL JUVENILE SYSTEMIC; GRANULOMATOSIS, FAMILIAL, BLAU TYPE; GRANULOMATOUS INFLAMMATORY ARTHRITIS, DERMATITIS, AND UVEITIS, FAMILIAL; JABS SYNDROME. Identifiers: Orphanet 90340, MedGen C5201146, MONDO:0008523, OMIM 186580.

Submission:

Labcorp Genetics (formerly Invitae), Labcorp
Classification: Uncertain significance for Regional enteritis; Blau syndrome. Last evaluated: 2023-03-18. Review status: criteria provided, single submitter. Criteria: Invitae Variant Classification Sherloc (09022015). Collection method: clinical testing. Allele origin: germline.
Comment: This sequence change creates a premature translational stop signal (p.Val298Glyfs*3) in the NOD2 gene. It is expected to result in an absent or disrupted protein product. However, the current clinical and genetic evidence is not sufficient to establish whether loss-of-function variants in NOD2 cause disease. This variant is not present in population databases (gnomAD no frequency). This variant has not been reported in the literature in individuals affected with NOD2-related conditions. Algorithms developed to predict the effect of sequence changes on RNA splicing suggest that this variant may create or strengthen a splice site. In summary, the available evidence is currently insufficient to determine the role of this variant in disease. Therefore, it has been classified as a Variant of Uncertain Significance.

NM_001370466.1(NOD2):c.809dup (p.Val271fs)

Gene: NOD2 (nucleotide binding oligomerization domain containing 2; plus strand). Cytogenetic location: 16q12.1.
Variant type: Duplication.
Coding change: c.809dup on transcript NM_001370466.1 (MANE Select); coding-DNA position 809, one base duplicated (T; older notation c.809dupT).
Protein change: p.Val271fs; shifts the reading frame from valine 271.
Molecular consequence: frameshift variant. On other transcripts: non-coding transcript variant (1).
Genome position (GRCh38, 1-based): chr16:50,710,801, T duplicated. VCF-style (leftmost placement, unchanged base first): chr16-50710800-G-GT. GRCh37 (hg19) VCF-style: chr16-50744711-G-GT.
Other names: c.809dup, p.Val271fs (NM_001293557.2); c.890dup, p.Val298fs (NM_022162.3); short protein forms V271fs, V298fs.
Identifiers: ClinVar variation 2945472 (VCV002945472.3), dbSNP rs2506397349, ClinGen allele CA2740093323.